The following is an entry in ClinVar:

NM_001144950.2(SSC5D):c.4374C>T (p.Thr1458=)

Gene: SSC5D (scavenger receptor cysteine rich family member with 5 domains; plus strand). Cytogenetic location: 19q13.42.
Variant type: single nucleotide variant.
Coding change: c.4374C>T on transcript NM_001144950.2 (MANE Select); coding-DNA position 4374, C replaced by T.
Protein change: p.Thr1458=; no amino-acid change (threonine 1458 retained).
Molecular consequence: synonymous variant.
Genome position (GRCh38, 1-based): chr19:55,518,650, C>T. VCF-style: chr19-55518650-C-T. GRCh37 (hg19) VCF-style: chr19-56030017-C-T.
Identifiers: ClinVar variation 2650533 (VCV002650533.24), dbSNP rs114996936, ClinGen allele CA9676828.

ClinVar aggregate classification (germline): Likely benign (1 of 4 stars; one submission).

Allele frequency attached by ClinVar (database versions not stated): gnomAD exomes 0.00016; ExAC 0.00107; ESP Exome Variant Server 0.00197; gnomAD 0.00213; 1000 Genomes Project 0.00300; 1000 Genomes Project 30x 0.00359.
gnomAD v4.1: 556 of 1,540,016 alleles (0.036%); highest among the groups gnomAD compares: African/African-American, 0.71%; 4 homozygotes.

Submission:

CeGaT Center for Human Genetics Tuebingen
Classification: Likely benign. Last evaluated: 2022-09-01. Review status: criteria provided, single submitter. Criteria: CeGaT Center For Human Genetics Tuebingen Variant Classification Criteria Version 2. Collection method: clinical testing. Allele origin: germline. Affected: yes. Observed: 1 variant allele.
Comment: SSC5D: BP4, BP7